The following is an entry in ClinVar:

ClinVar aggregate classification (germline): Uncertain significance (1 of 4 stars; one submission).

Conditions:
Hereditary cancer-predisposing syndrome. Also called: Hereditary Cancer Syndrome; Hereditary neoplastic syndrome; Tumor predisposition; Neoplastic Syndromes, Hereditary. Identifiers: Orphanet 140162, MedGen C0027672, MeSH D009386, MONDO:0015356.

Submission:

Ambry Genetics
Classification: Uncertain significance for Hereditary cancer-predisposing syndrome. Last evaluated: 2024-11-08. Review status: criteria provided, single submitter. Criteria: Ambry Variant Classification Scheme 2023. Collection method: clinical testing. Allele origin: germline.
Comment: The p.G176V variant (also known as c.527G>T), located in coding exon 1 of the HOXB13 gene, results from a G to T substitution at nucleotide position 527. The glycine at codon 176 is replaced by valine, an amino acid with dissimilar properties. This amino acid position is not well conserved in available vertebrate species. In addition, this alteration is predicted to be tolerated by in silico analysis. Based on the available evidence, the clinical significance of this variant remains unclear.

NM_006361.6(HOXB13):c.527G>T (p.Gly176Val)

Gene: HOXB13 (homeobox B13; minus strand). Cytogenetic location: 17q21.32.
Variant type: single nucleotide variant.
Coding change: c.527G>T on transcript NM_006361.6 (MANE Select); coding-DNA position 527, G replaced by T.
Protein change: p.Gly176Val; replaces glycine 176 with valine.
Molecular consequence: missense variant.
Genome position (GRCh38, 1-based): chr17:48,728,067, C>A on the plus strand (G>T on the coding strand, the complement: HOXB13 is on the minus strand). VCF-style: chr17-48728067-C-A. GRCh37 (hg19) VCF-style: chr17-46805429-C-A.
Other names: short protein forms G176V.
Identifiers: ClinVar variation 3526292 (VCV003526292.1).
Genomic context (GRCh38, chr17:48,728,067, plus strand): 5'-TTCCAAAAGGGACCTGGTGGGTTCTGTTCTCCCTGGCAACACATCTGGCTGTTCCAGCCA[C>A]CAGCGAGAGCCCAAGACTGGTAACTGTCCACAGGCAACAGGGAGTCATGTCGCGGTTCTC-3'
Protein context (NP_006352.2, residues 166-186): VDSYQSWALA[Gly176Val]GWNSQMCCQG